The following is an entry in ClinVar:

ClinVar aggregate classification (germline): Uncertain significance (1 of 4 stars; one submission).

gnomAD v4.1: 1 of 1,605,958 alleles (0.000062%); highest among the groups gnomAD compares: Non-Finnish European, 0.000085%; no homozygotes.

Submission:

Ambry Genetics
Classification: Uncertain significance. Last evaluated: 2024-01-09. Review status: criteria provided, single submitter. Criteria: Ambry Variant Classification Scheme 2023. Collection method: clinical testing. Allele origin: germline.
Comment: The p.D219V variant (also known as c.656A>T), located in coding exon 5 of the RECQL gene, results from an A to T substitution at nucleotide position 656. The aspartic acid at codon 219 is replaced by valine, an amino acid with highly dissimilar properties. This amino acid position is conserved. In addition, this alteration is predicted to be deleterious by in silico analysis. Since supporting evidence is limited at this time, the clinical significance of this alteration remains unclear.

NM_002907.4(RECQL):c.656A>T (p.Asp219Val)

Gene: RECQL (RecQ like helicase; minus strand). Cytogenetic location: 12p12.1.
Variant type: single nucleotide variant.
Coding change: c.656A>T on transcript NM_002907.4 (MANE Select); coding-DNA position 656, A replaced by T.
Protein change: p.Asp219Val; replaces aspartic acid 219 with valine.
Molecular consequence: missense variant.
Genome position (GRCh38, 1-based): chr12:21,483,420, T>A on the plus strand (A>T on the coding strand, the complement: RECQL is on the minus strand). VCF-style: chr12-21483420-T-A. GRCh37 (hg19) VCF-style: chr12-21636354-T-A.
Other names: c.656A>T, p.Asp219Val (NM_032941.3); short protein forms D219V.
Identifiers: ClinVar variation 3222984 (VCV003222984.1), dbSNP rs1391037297, ClinGen allele CA384126883.
Genomic context (GRCh38, chr12:21,483,420, plus strand): 5'-GATAAAACATACATACCAGGTCTGAAATCATGTCCCCACTGACTACAGCAGTGAACTTCA[T>A]CCACAGCAATTCGAGTAAATCTCCTTGCTTCATAGGCTTTCTCTAGTCTTGACATAAACA-3'
Protein context (NP_002898.2, residues 209-229): EARRFTRIAV[Asp219Val]EVHCCSQWGH